The following is an entry in ClinVar:

NM_032193.4(RNASEH2C):c.163G>C (p.Gly55Arg)

Genes: RNASEH2C (ribonuclease H2 subunit C; minus strand), LOC130006061 (ATAC-STARR-seq lymphoblastoid silent region 3553; plus strand). Cytogenetic location: 11q13.1.
Variant type: single nucleotide variant.
Coding change: c.163G>C on transcript NM_032193.4 (MANE Select); coding-DNA position 163, G replaced by C.
Protein change: p.Gly55Arg; replaces glycine 55 with arginine.
Molecular consequence: missense variant.
Genome position (GRCh38, 1-based): chr11:65,720,596, C>G on the plus strand (G>C on the coding strand, the complement: RNASEH2C is on the minus strand). VCF-style: chr11-65720596-C-G. GRCh37 (hg19) VCF-style: chr11-65488067-C-G.
Other names: short protein forms G55R.
Identifiers: ClinVar variation 1945798 (VCV001945798.5), dbSNP rs748888378, ClinGen allele CA6107821.
Genomic context (GRCh38, chr11:65,720,596, plus strand): 5'-GCAGGCCGGCGCGGGGGCTGCCGGGAGCCGTAGTCCGGCCGCAGGGCTCACCCTCGGGGC[C>G]CTGGCGGATGGCGGGCGTGAAGAAGCGCCCCACCGGGGCGGGCCCGTCCACCGCAACCTC-3'
Protein context (NP_115569.2, residues 45-65): GRFFTPAIRQ[Gly55Arg]PEGLEVSFRG

ClinVar aggregate classification (germline): Uncertain significance (1 of 4 stars; one submission).

Conditions:
Aicardi-Goutieres syndrome 3. Identifiers: Orphanet 51, MedGen C1835916, MONDO:0012471, OMIM 610329.

Allele frequency attached by ClinVar (database versions not stated): gnomAD exomes below 0.00001; TOPMed below 0.00001; gnomAD 0.00001.

Submission:

Labcorp Genetics (formerly Invitae), Labcorp
Classification: Uncertain significance for Aicardi-Goutieres syndrome 3. Last evaluated: 2023-06-15. Review status: criteria provided, single submitter. Criteria: Invitae Variant Classification Sherloc (09022015). Collection method: clinical testing. Allele origin: germline.
Comment: This sequence change replaces glycine, which is neutral and non-polar, with arginine, which is basic and polar, at codon 55 of the RNASEH2C protein (p.Gly55Arg). This variant is present in population databases (rs748888378, gnomAD 0.008%). This variant has not been reported in the literature in individuals affected with RNASEH2C-related conditions. ClinVar contains an entry for this variant (Variation ID: 1945798). Algorithms developed to predict the effect of missense changes on protein structure and function output the following: SIFT: "Not Available"; PolyPhen-2: "Benign"; Align-GVGD: "Not Available". The arginine amino acid residue is found in multiple mammalian species, which suggests that this missense change does not adversely affect protein function. In summary, the available evidence is currently insufficient to determine the role of this variant in disease. Therefore, it has been classified as a Variant of Uncertain Significance.